The following is an entry in ClinVar:

ClinVar aggregate classification (germline): Benign/Likely benign. Review status: criteria provided, multiple submitters, no conflicts (2 of 4 stars). 6 submissions from 6 submitters: Benign (1); Likely benign (5). Last evaluated 2025-11-19.

Conditions:
Inborn genetic diseases. Identifiers: MedGen C0950123, MeSH D030342.
ANG-related disorder. Also called: ANG-related condition.

Allele frequency attached by ClinVar (database versions not stated): gnomAD 0.00007 and 0.00008; ESP Exome Variant Server 0.00008; TOPMed 0.00010; 1000 Genomes Project 30x 0.00016; 1000 Genomes Project 0.00020; gnomAD exomes 0.00022; ExAC 0.00030.
gnomAD v4.1: 274 of 1,614,140 alleles (0.017%); highest among the groups gnomAD compares: South Asian, 0.054%; no homozygotes.

Submissions (6):

Labcorp Genetics (formerly Invitae), Labcorp
Classification: Likely benign. Last evaluated: 2025-11-19. Review status: criteria provided, single submitter. Criteria: Invitae Variant Classification Sherloc (09022015). Collection method: clinical testing. Allele origin: germline.

CeGaT Center for Human Genetics Tuebingen
Classification: Likely benign. Last evaluated: 2025-08-01. Review status: criteria provided, single submitter. Criteria: CeGaT Center For Human Genetics Tuebingen Variant Classification Criteria Version 2. Collection method: clinical testing. Allele origin: germline. Affected: yes. Observed: 2 variant alleles.
Comment: ANG: BP4, BP7

Mayo Clinic Laboratories, Mayo Clinic
Classification: Likely benign. Last evaluated: 2025-06-17. Review status: criteria provided, single submitter. Criteria: ACMG Guidelines, 2015. Collection method: clinical testing. Allele origin: germline. Observed: 1 variant allele.
Comment: BS2, BP4, BP7

PreventionGenetics, part of Exact Sciences
Classification: Likely benign for ANG-related condition. Last evaluated: 2024-12-10. Review status: criteria provided, single submitter. Criteria: ACMG Guidelines, 2015. Collection method: clinical testing. Allele origin: germline.
Comment: This variant is classified as likely benign based on ACMG/AMP sequence variant interpretation guidelines (Richards et al. 2015 PMID: 25741868, with internal and published modifications).

Ambry Genetics
Classification: Likely benign for Inborn genetic diseases. Last evaluated: 2024-06-15. Review status: criteria provided, single submitter. Criteria: Ambry Variant Classification Scheme 2023. Collection method: clinical testing. Allele origin: germline.

Athena Diagnostics
Classification: Benign. Last evaluated: 2021-02-18. Review status: criteria provided, single submitter. Criteria: Athena Diagnostics criteria. Collection method: clinical testing. Allele origin: unknown.

Literature cited by the submitters: PubMed 18087731 (cited by Athena Diagnostics).

NM_001097577.3(ANG):c.132C>T (p.Gly44=)

Genes: ANG (angiogenin; plus strand), EGILA (EGFR interacting lncRNA; minus strand), RNASE4 (ribonuclease A family member 4; plus strand). Cytogenetic location: 14q11.2.
Variant type: single nucleotide variant.
Coding change: c.132C>T on transcript NM_001097577.3 (MANE Select); coding-DNA position 132, C replaced by T.
Protein change: p.Gly44=; no amino-acid change (glycine 44 retained).
Molecular consequence: synonymous variant. On other transcripts: non-coding transcript variant (1), intron variant (4).
Genome position (GRCh38, 1-based): chr14:20,693,696, C>T. VCF-style: chr14-20693696-C-T. GRCh37 (hg19) VCF-style: chr14-21161855-C-T.
Other names: p.Gly44=; c.132C>T, p.Gly44= (NM_001145.4, NM_001385271.1, NM_001385272.1 and 2 more transcripts); c.-18+46C>T (NM_001282192.2); c.-17-5659C>T (NM_002937.5, NM_001282193.2); c.-18+4822C>T (NM_194431.3).
Identifiers: ClinVar variation 1256595 (VCV001256595.37), dbSNP rs147701713, ClinGen allele CA7083143.